The following is an entry in ClinVar:

ClinVar aggregate classification (germline): Uncertain significance (1 of 4 stars; one submission).

gnomAD v4.1: 24 of 1,614,170 alleles (0.0015%); highest among the groups gnomAD compares: Non-Finnish European, 0.0018%; no homozygotes.

Submission:

Labcorp Genetics (formerly Invitae), Labcorp
Classification: Uncertain significance. Last evaluated: 2023-06-23. Review status: criteria provided, single submitter. Criteria: Invitae Variant Classification Sherloc (09022015). Collection method: clinical testing. Allele origin: germline.
Comment: This sequence change replaces arginine, which is basic and polar, with histidine, which is basic and polar, at codon 118 of the COL7A1 protein (p.Arg118His). This variant is not present in population databases (gnomAD no frequency). In summary, the available evidence is currently insufficient to determine the role of this variant in disease. Therefore, it has been classified as a Variant of Uncertain Significance. Advanced modeling of protein sequence and biophysical properties (such as structural, functional, and spatial information, amino acid conservation, physicochemical variation, residue mobility, and thermodynamic stability) has been performed at Invitae for this missense variant, however the output from this modeling did not meet the statistical confidence thresholds required to predict the impact of this variant on COL7A1 protein function. ClinVar contains an entry for this variant (Variation ID: 1428541). This variant has not been reported in the literature in individuals affected with COL7A1-related conditions.

NM_000094.4(COL7A1):c.353G>A (p.Arg118His)

Gene: COL7A1 (collagen type VII alpha 1 chain; minus strand). Cytogenetic location: 3p21.31.
Variant type: single nucleotide variant.
Coding change: c.353G>A on transcript NM_000094.4 (MANE Select); coding-DNA position 353, G replaced by A.
Protein change: p.Arg118His; replaces arginine 118 with histidine.
Molecular consequence: missense variant.
Genome position (GRCh38, 1-based): chr3:48,593,610, C>T on the plus strand (G>A on the coding strand, the complement: COL7A1 is on the minus strand). VCF-style: chr3-48593610-C-T. GRCh37 (hg19) VCF-style: chr3-48631043-C-T.
Other names: short protein forms R118H.
Identifiers: ClinVar variation 1428541 (VCV001428541.9), dbSNP rs966257558, ClinGen allele CA352748387.